The following is an entry in ClinVar:

NM_020822.3(KCNT1):c.1346A>G (p.Asn449Ser)

Gene: KCNT1 (potassium sodium-activated channel subfamily T member 1; plus strand). Cytogenetic location: 9q34.3.
Variant type: single nucleotide variant.
Coding change: c.1346A>G on transcript NM_020822.3 (MANE Select); coding-DNA position 1346, A replaced by G.
Protein change: p.Asn449Ser; replaces asparagine 449 with serine.
Molecular consequence: missense variant.
Genome position (GRCh38, 1-based): chr9:135,768,618, A>G. VCF-style: chr9-135768618-A-G. GRCh37 (hg19) VCF-style: chr9-138660464-A-G.
Other names: c.1211A>G, p.Asn404Ser (NM_001272003.2); short protein forms N404S, N449S.
Identifiers: ClinVar variation 949580 (VCV000949580.10), dbSNP rs1336529060, ClinGen allele CA375504571.

ClinVar aggregate classification (germline): Uncertain significance. Review status: criteria provided, multiple submitters, no conflicts (2 of 4 stars). 2 submissions from 2 submitters: Uncertain significance (2). Last evaluated 2025-03-19.

Conditions:
Autosomal dominant nocturnal frontal lobe epilepsy 5. Also called: KCNT1-Related Epilepsy; CILIARY DYSKINESIA, PRIMARY, 28, WITHOUT SITUS INVERSUS; CILIARY DYSKINESIA, PRIMARY, 28, WITH SITUS INVERSUS; Epilepsy, nocturnal frontal lobe, 5. Identifiers: Orphanet 98784, MedGen C3554306, MONDO:0014002, OMIM 615005.
Developmental and epileptic encephalopathy, 14 (DEE14). Also called: Early infantile epileptic encephalopathy 14. Identifiers: Orphanet 293181, MedGen C3554195, MONDO:0013989, OMIM 614959.

Allele frequency attached by ClinVar (database versions not stated): gnomAD 0.00001; gnomAD exomes 0.00001 and 0.00002.
gnomAD v4.1: 25 of 1,550,208 alleles (0.0016%); highest among the groups gnomAD compares: Middle Eastern, 0.017%; no homozygotes.

Submissions (2):

Labcorp Genetics (formerly Invitae), Labcorp
Classification: Uncertain significance for Autosomal dominant nocturnal frontal lobe epilepsy 5; Developmental and epileptic encephalopathy, 14. Last evaluated: 2025-03-19. Review status: criteria provided, single submitter. Criteria: Invitae Variant Classification Sherloc (09022015). Collection method: clinical testing. Allele origin: germline.
Comment: This sequence change replaces asparagine, which is neutral and polar, with serine, which is neutral and polar, at codon 449 of the KCNT1 protein (p.Asn449Ser). This variant is present in population databases (no rsID available, gnomAD 0.004%). This missense change has been observed in individual(s) with KCNT1-related conditions (PMID: 34114611). ClinVar contains an entry for this variant (Variation ID: 949580). Invitae Evidence Modeling of protein sequence and biophysical properties (such as structural, functional, and spatial information, amino acid conservation, physicochemical variation, residue mobility, and thermodynamic stability) indicates that this missense variant is not expected to disrupt KCNT1 protein function with a negative predictive value of 80%. Experimental studies are conflicting or provide insufficient evidence to determine the effect of this variant on KCNT1 function (PMID: 36499459). In summary, the available evidence is currently insufficient to determine the role of this variant in disease. Therefore, it has been classified as a Variant of Uncertain Significance.

New York Genome Center
Classification: Uncertain significance for Developmental and epileptic encephalopathy, 14. Last evaluated: 2021-10-01. Review status: criteria provided, single submitter. Criteria: NYGC Assertion Criteria 2020. Collection method: clinical testing. Allele origin: germline. Observed: 1 heterozygote. Study: CSER-NYCKidSeq.
Comment: The missense variant c.1346A>G, p.Asn449Ser identified in the KCNT1 gene has not been reported in individuals with KCNT1-related disorder. This variant has one heterozygous individual in gnomAD v3.1.1 suggesting it is not a common benign variant in the populations represented in this database. In silico algorithms predict a conflicting effect of pathogenicity. Based on the available evidence, the missense variant c.1346A>G, p.Asn449Ser in the KCNT1 gene is classified as a variant of uncertain significance.

Literature cited by the submitters: PubMed 34114611 (cited by Labcorp Genetics (formerly Invitae), Labcorp); PubMed 36499459 (cited by Labcorp Genetics (formerly Invitae), Labcorp).